The following is an entry in ClinVar:

NM_004006.3(DMD):c.6913-114A>T

Gene: DMD (dystrophin; minus strand). Cytogenetic location: Xp21.1.
Variant type: single nucleotide variant.
Coding change: c.6913-114A>T on transcript NM_004006.3 (MANE Select); 114 bases into the intron before coding-DNA position 6913, A replaced by T.
Molecular consequence: intron variant.
Genome position (GRCh38, 1-based): chrX:31,875,487, T>A on the plus strand (A>T on the coding strand, the complement: DMD is on the minus strand). VCF-style: chrX-31875487-T-A. GRCh37 (hg19) VCF-style: chrX-31893604-T-A.
Other names: c.6889-114A>T (NM_000109.4); c.2890-114A>T (NM_004011.4); c.2881-114A>T (NM_004012.4); c.-468-114A>T (NM_004023.3, NM_004020.4, NM_004022.3 and 2 more transcripts); c.6901-114A>T (NM_004009.3); c.6544-114A>T (NM_004010.3).
Identifiers: ClinVar variation 673845 (VCV000673845.2), dbSNP rs45618538, ClinGen allele CA328483096.

ClinVar aggregate classification (germline): Benign. Review status: criteria provided, single submitter (1 of 4 stars). 2 submissions from 2 submitters: Benign (1). 1 of the submissions does not count toward it. Last evaluated 2018-06-18.

Conditions:
Duchenne muscular dystrophy (DMD). Also called: MUSCULAR DYSTROPHY, PSEUDOHYPERTROPHIC PROGRESSIVE, DUCHENNE TYPE; Duchenne Muscular Dystrophy (DMD). Identifiers: Orphanet 98896, MedGen C0013264, MONDO:0010679, OMIM 310200.
Dystrophin deficiency.
Becker muscular dystrophy (BMD). Also called: MUSCULAR DYSTROPHY, PSEUDOHYPERTROPHIC PROGRESSIVE, BECKER TYPE; Becker Muscular Dystrophy (BMD). Identifiers: Orphanet 98895, MedGen C0917713, MONDO:0010311, OMIM 300376.
Cardiomyopathy (CMYO). Also called: Cardiomyopathies. Identifiers: Orphanet 167848, MedGen C0878544, MONDO:0004994, HP:0001638. Inheritance: Various modes of inheritance.

Allele frequency attached by ClinVar (database versions not stated): gnomAD exomes 0.16200; 1000 Genomes Project 0.16265; 1000 Genomes Project 30x 0.16691; gnomAD 0.17732 and 0.18012; TOPMed 0.19529.
gnomAD v4.1: 100,005 of 606,627 alleles (16%); highest among the groups gnomAD compares: Admixed American, 32%; 6,538 homozygotes.

Submissions (2):

GeneDx
Classification: Benign. Last evaluated: 2018-06-18. Review status: criteria provided, single submitter. Criteria: GeneDx Variant Classification (06012015). Collection method: clinical testing. Allele origin: germline. Affected: yes.
Comment: This variant is considered likely benign or benign based on one or more of the following criteria: it is a conservative change, it occurs at a poorly conserved position in the protein, it is predicted to be benign by multiple in silico algorithms, and/or has population frequency not consistent with disease.

Natera, Inc.
Classification: Benign for Becker muscular dystrophy; Cardiomyopathy; Duchenne muscular dystrophy; Dystrophin deficiency. Last evaluated: 2017-08-08. Review status: no assertion criteria provided. Collection method: clinical testing. Allele origin: germline. Not counted in ClinVar's aggregate classification.